The following is an entry in ClinVar:

ClinVar aggregate classification (germline): Uncertain significance (1 of 4 stars; one submission).

Allele frequency attached by ClinVar (database versions not stated): gnomAD exomes 0.00001 and 0.00004; ExAC 0.00003; gnomAD 0.00014 and 0.00016; TOPMed 0.00020; 1000 Genomes Project 30x 0.00031; 1000 Genomes Project 0.00040.

Submission:

GeneDx
Classification: Uncertain significance. Last evaluated: 2022-10-24. Review status: criteria provided, single submitter. Criteria: GeneDx Variant Classification Process June 2021. Collection method: clinical testing. Allele origin: germline. Affected: yes.
Comment: In silico analysis supports that this variant does not alter splicing; Has not been previously published as pathogenic or benign to our knowledge

NM_004230.4(S1PR2):c.574C>T (p.Leu192=)

Gene: S1PR2 (sphingosine-1-phosphate receptor 2; minus strand). Cytogenetic location: 19p13.2.
Variant type: single nucleotide variant.
Coding change: c.574C>T on transcript NM_004230.4 (MANE Select); coding-DNA position 574, C replaced by T.
Protein change: p.Leu192=; no amino-acid change (leucine 192 retained).
Molecular consequence: synonymous variant.
Genome position (GRCh38, 1-based): chr19:10,224,332, G>A on the plus strand (C>T on the coding strand, the complement: S1PR2 is on the minus strand). VCF-style: chr19-10224332-G-A. GRCh37 (hg19) VCF-style: chr19-10335008-G-A.
Identifiers: ClinVar variation 1300381 (VCV001300381.3), dbSNP rs548754912, ClinGen allele CA9189069.